The following is an entry in ClinVar:

NM_000289.6(PFKM):c.1880+32G>C

Gene: PFKM (phosphofructokinase, muscle; plus strand). Cytogenetic location: 12q13.11.
Variant type: single nucleotide variant.
Coding change: c.1880+32G>C on transcript NM_000289.6 (MANE Select); 32 bases into the intron after coding-DNA position 1880, G replaced by C.
Molecular consequence: intron variant.
Genome position (GRCh38, 1-based): chr12:48,143,846, G>C. VCF-style: chr12-48143846-G-C. GRCh37 (hg19) VCF-style: chr12-48537629-G-C.
Other names: c.1904+32G>C (NM_001354741.2); c.1880+32G>C (NM_001354742.2, NM_001354743.2, NM_001354744.2 and 2 more transcripts); c.1730+32G>C (NM_001354747.2, NM_001354748.2); c.2093+32G>C (NM_001166686.2, NM_001354737.1, NM_001354739.1 and 1 more transcripts); c.2189+32G>C (NM_001354736.1, NM_001354735.1); c.2024+32G>C (NM_001354740.1); c.1793+32G>C (NM_001354745.2); c.1754+32G>C (NM_001354746.2); and 1 more.
Identifiers: ClinVar variation 255755 (VCV000255755.5), dbSNP rs4075914, ClinGen allele CA6537457.

ClinVar aggregate classification (germline): Benign. Review status: criteria provided, multiple submitters, no conflicts (2 of 4 stars). 4 submissions from 4 submitters: Benign (4). Last evaluated 2021-07-01.

Conditions:
Glycogen storage disease, type VII (GSD7). Also called: MUSCLE PHOSPHOFRUCTOKINASE DEFICIENCY; PFKM DEFICIENCY; TARUI DISEASE; GSD VII. Identifiers: Orphanet 371, MedGen C0017926, MONDO:0009295, OMIM 232800.

Allele frequency attached by ClinVar (database versions not stated): 1000 Genomes Project 0.02656; 1000 Genomes Project 30x 0.02748; TOPMed 0.05279; gnomAD 0.05970 and 0.06152; ESP Exome Variant Server 0.06474.
gnomAD v4.1: 122,373 of 1,541,192 alleles (7.9%); highest among the groups gnomAD compares: Non-Finnish European, 9.6%; 5,807 homozygotes.

Submissions (4):

Pars Genome Lab
Classification: Benign for Glycogen storage disease, type VII. Last evaluated: 2021-07-01. Review status: criteria provided, single submitter. Criteria: ACMG Guidelines, 2015. Collection method: clinical testing. Allele origin: germline. Affected: no.

GeneDx
Classification: Benign. Last evaluated: 2018-06-19. Review status: criteria provided, single submitter. Criteria: GeneDx Variant Classification (06012015). Collection method: clinical testing. Allele origin: germline. Affected: yes.
Comment: This variant is considered likely benign or benign based on one or more of the following criteria: it is a conservative change, it occurs at a poorly conserved position in the protein, it is predicted to be benign by multiple in silico algorithms, and/or has population frequency not consistent with disease.

Breakthrough Genomics
Classification: Benign. Review status: criteria provided, single submitter. Criteria: ACMG Guidelines, 2015. Collection method: not provided. Allele origin: germline. Inheritance: Autosomal recessive inheritance. Affected: yes.

PreventionGenetics, part of Exact Sciences
Classification: Benign. Review status: criteria provided, single submitter. Criteria: ACMG Guidelines, 2015. Collection method: clinical testing. Allele origin: germline.